The following is an entry in ClinVar:

NM_004239.4(TRIP11):c.3147G>A (p.Leu1049=)

Gene: TRIP11 (thyroid hormone receptor interactor 11; minus strand). Cytogenetic location: 14q32.12.
Variant type: single nucleotide variant.
Coding change: c.3147G>A on transcript NM_004239.4 (MANE Select); coding-DNA position 3147, G replaced by A.
Protein change: p.Leu1049=; no amino-acid change (leucine 1049 retained).
Molecular consequence: synonymous variant.
Genome position (GRCh38, 1-based): chr14:92,004,829, C>T on the plus strand (G>A on the coding strand, the complement: TRIP11 is on the minus strand). VCF-style: chr14-92004829-C-T. GRCh37 (hg19) VCF-style: chr14-92471173-C-T.
Other names: c.3144G>A, p.Leu1048= (NM_001321851.1).
Identifiers: ClinVar variation 516240 (VCV000516240.29), dbSNP rs17127842, ClinGen allele CA7313677.
Genomic context (GRCh38, chr14:92,004,829, plus strand): 5'-TTGTATCTCCAAATCTTTCTGCTGAATAATCTGAGTTAGTTTACCAACTTCATCTTTGGA[C>T]AACTGATCAATCTGTTTAGTTAAAGATATATTCTTTTCATTTAGAAGTTTAATCTCCAGT-3'
Protein context (NP_004230.2, residues 1039-1059): NISLTKQIDQ[Leu1049=]SKDEVGKLTQ

ClinVar aggregate classification (germline): Benign/Likely benign. Review status: criteria provided, multiple submitters, no conflicts (2 of 4 stars). 6 submissions from 6 submitters: Benign (4); Likely benign (2). Last evaluated 2026-05-12.

Conditions:
Connective tissue disorder. Also called: Connective tissue disease. Identifiers: MedGen C0009782, MONDO:0003900.
Achondrogenesis, type IA (ACG1A). Identifiers: Orphanet 932, Orphanet 93299, MedGen C0265273, MONDO:0008701, OMIM 200600.

Allele frequency attached by ClinVar (database versions not stated): 1000 Genomes Project 0.00679; gnomAD 0.00683 and 0.00729; ExAC 0.00213; 1000 Genomes Project 30x 0.00687; ESP Exome Variant Server 0.00738; TOPMed 0.00795; gnomAD exomes 0.00192.
gnomAD v4.1: 2,089 of 1,614,016 alleles (0.13%); highest among the groups gnomAD compares: African/African-American, 2.4%; 22 homozygotes.

Submissions (6):

Women's Health and Genetics/Laboratory Corporation of America, LabCorp
Classification: Likely benign. Last evaluated: 2026-05-12. Review status: criteria provided, single submitter. Criteria: LabCorp Variant Classification Summary - May 2015. Collection method: clinical testing. Allele origin: germline.

Labcorp Genetics (formerly Invitae), Labcorp
Classification: Benign for Achondrogenesis, type IA. Last evaluated: 2026-02-01. Review status: criteria provided, single submitter. Criteria: Invitae Variant Classification Sherloc (09022015). Collection method: clinical testing. Allele origin: germline.

ARUP Laboratories, Molecular Genetics and Genomics, ARUP Laboratories
Classification: Benign. Last evaluated: 2025-05-23. Review status: criteria provided, single submitter. Criteria: ARUP Molecular Germline Variant Investigation Process 2024. Collection method: clinical testing. Allele origin: germline.

Genome Diagnostics Laboratory, The Hospital for Sick Children
Classification: Likely benign for Connective tissue disorder. Last evaluated: 2019-06-01. Review status: criteria provided, single submitter. Criteria: ACMG Guidelines, 2015. Collection method: clinical testing. Allele origin: germline.

GeneDx
Classification: Benign. Last evaluated: 2019-03-08. Review status: criteria provided, single submitter. Criteria: GeneDx Variant Classification Process June 2021. Collection method: clinical testing. Allele origin: germline. Affected: yes.

Illumina Laboratory Services, Illumina
Classification: Benign for Achondrogenesis, type IA. Last evaluated: 2018-01-13. Review status: criteria provided, single submitter. Criteria: ICSL Variant Classification Criteria 13 December 2019. Collection method: clinical testing. Allele origin: germline.
Comment: This variant was observed in the ICSL laboratory as part of a predisposition screen in an ostensibly healthy population. It had not been previously curated by ICSL or reported in the Human Gene Mutation Database (HGMD: prior to June 1st, 2018), and was therefore a candidate for classification through an automated scoring system. Utilizing variant allele frequency, disease prevalence and penetrance estimates, and inheritance mode, an automated score was calculated to assess if this variant is too frequent to cause the disease. Based on the score and internal cut-off values, a variant classified as benign is not then subjected to further curation. The score for this variant resulted in a classification of benign for this disease.